The following is an entry in ClinVar:

ClinVar aggregate classification (germline): Uncertain significance (1 of 4 stars; one submission).

Conditions:
Parathyroid carcinoma (PRTC). Also called: Parathyroid gland carcinoma; CDC73-Related Parathyroid Carcinoma. Identifiers: Orphanet 143, MedGen C0687150, MONDO:0012004, OMIM 608266, HP:0006780.

gnomAD v4.1: 1 of 1,610,006 alleles (0.000062%); highest among the groups gnomAD compares: Non-Finnish European, 0.000085%; no homozygotes.

Submission:

Labcorp Genetics (formerly Invitae), Labcorp
Classification: Uncertain significance for Parathyroid carcinoma. Last evaluated: 2024-05-21. Review status: criteria provided, single submitter. Criteria: Invitae Variant Classification Sherloc (09022015). Collection method: clinical testing. Allele origin: germline.
Comment: This sequence change replaces aspartic acid, which is acidic and polar, with valine, which is neutral and non-polar, at codon 438 of the CDC73 protein (p.Asp438Val). This variant is not present in population databases (gnomAD no frequency). This variant has not been reported in the literature in individuals affected with CDC73-related conditions. Advanced modeling of protein sequence and biophysical properties (such as structural, functional, and spatial information, amino acid conservation, physicochemical variation, residue mobility, and thermodynamic stability) performed at Invitae indicates that this missense variant is expected to disrupt CDC73 protein function with a positive predictive value of 80%. In summary, the available evidence is currently insufficient to determine the role of this variant in disease. Therefore, it has been classified as a Variant of Uncertain Significance.

NM_024529.5(CDC73):c.1313A>T (p.Asp438Val)

Gene: CDC73 (cell division cycle 73; plus strand). Cytogenetic location: 1q31.2.
Variant type: single nucleotide variant.
Coding change: c.1313A>T on transcript NM_024529.5 (MANE Select); coding-DNA position 1313, A replaced by T.
Protein change: p.Asp438Val; replaces aspartic acid 438 with valine.
Molecular consequence: missense variant.
Genome position (GRCh38, 1-based): chr1:193,233,151, A>T. VCF-style: chr1-193233151-A-T. GRCh37 (hg19) VCF-style: chr1-193202281-A-T.
Other names: short protein forms D438V.
Identifiers: ClinVar variation 2746260 (VCV002746260.3), dbSNP rs2527494225, ClinGen allele CA344078070.
Genomic context (GRCh38, chr1:193,233,151, plus strand): 5'-CAATTAGTGTTACAGTACCTTATAGAGTAGTAGACCAGCCCCTTAAACTTATGCCTCAAG[A>T]CTGGTAAGATAGTCTCTATATATATATCTTTTCACAGGTGTTGAACCCAAGAGAATGAAT-3'
Protein context (NP_078805.3, residues 428-448): VDQPLKLMPQ[Asp438Val]WDRVVAVFVQ